The following is an entry in ClinVar:

NM_020778.5(ALPK3):c.3833G>A (p.Arg1278Gln)

Gene: ALPK3 (alpha kinase 3; plus strand). Cytogenetic location: 15q25.3.
Variant type: single nucleotide variant.
Coding change: c.3833G>A on transcript NM_020778.5 (MANE Select); coding-DNA position 3833, G replaced by A.
Protein change: p.Arg1278Gln; replaces arginine 1278 with glutamine.
Molecular consequence: missense variant.
Genome position (GRCh38, 1-based): chr15:84,859,258, G>A. VCF-style: chr15-84859258-G-A. GRCh37 (hg19) VCF-style: chr15-85402489-G-A.
Other names: short protein forms R1278Q.
Identifiers: ClinVar variation 1928039 (VCV001928039.5), dbSNP rs747114834, ClinGen allele CA7709746.

ClinVar aggregate classification (germline): Uncertain significance (1 of 4 stars; one submission).

Allele frequency attached by ClinVar (database versions not stated): TOPMed 0.00001; gnomAD 0.00003.
gnomAD v4.1: 22 of 1,613,964 alleles (0.0014%); highest among the groups gnomAD compares: African/African-American, 0.0093%; 1 homozygote.

Submission:

Labcorp Genetics (formerly Invitae), Labcorp
Classification: Uncertain significance. Last evaluated: 2025-07-21. Review status: criteria provided, single submitter. Criteria: Invitae Variant Classification Sherloc (09022015). Collection method: clinical testing. Allele origin: germline.
Comment: This sequence change replaces arginine, which is basic and polar, with glutamine, which is neutral and polar, at codon 1480 of the ALPK3 protein (p.Arg1480Gln). This variant is present in population databases (rs747114834, gnomAD 0.01%), including at least one homozygous and/or hemizygous individual. This variant has not been reported in the literature in individuals affected with ALPK3-related conditions. ClinVar contains an entry for this variant (Variation ID: 1928039). Invitae Evidence Modeling of protein sequence and biophysical properties (such as structural, functional, and spatial information, amino acid conservation, physicochemical variation, residue mobility, and thermodynamic stability) indicates that this missense variant is expected to disrupt ALPK3 protein function with a positive predictive value of 80%. In summary, the available evidence is currently insufficient to determine the role of this variant in disease. Therefore, it has been classified as a Variant of Uncertain Significance.